The following is an entry in ClinVar:

ClinVar aggregate classification (germline): Uncertain significance. Review status: criteria provided, multiple submitters, no conflicts (2 of 4 stars). 4 submissions from 4 submitters: Uncertain significance (4). Last evaluated 2025-09-01.

Conditions:
Fanconi anemia (FA). Also called: Fanconi's anemia. Identifiers: Orphanet 84, MedGen C0015625, MeSH D005199, MONDO:0019391.

gnomAD v4.1: 7 of 1,614,088 alleles (0.00043%); highest among the groups gnomAD compares: Non-Finnish European, 0.00059%; no homozygotes.

Submissions (4):

CeGaT Center for Human Genetics Tuebingen
Classification: Uncertain significance. Last evaluated: 2025-09-01. Review status: criteria provided, single submitter. Criteria: CeGaT Center For Human Genetics Tuebingen Variant Classification Criteria Version 2. Collection method: clinical testing. Allele origin: germline. Affected: yes. Observed: 2 variant alleles.
Comment: SLX4: PM2, BP4

Dasa
Classification: Uncertain significance. Last evaluated: 2025-06-22. Review status: criteria provided, single submitter. Criteria: DASA Assertion Criteria. Collection method: clinical testing. Allele origin: germline.
Comment: NM_032444.4(SLX4):c.4546G>C (p.Gly1516Arg) is a missense variant that results in the substitution of glycine with arginine. This variant is rare in population databases. Computational prediction algorithms are consistent with a benign effect. The currently available literature and clinical evidence are not sufficient to establish a definitive association between this variant and the reported condition. Therefore, this variant is classified as a variant of uncertain significance.

Labcorp Genetics (formerly Invitae), Labcorp
Classification: Uncertain significance for Fanconi anemia. Last evaluated: 2023-09-14. Review status: criteria provided, single submitter. Criteria: Invitae Variant Classification Sherloc (09022015). Collection method: clinical testing. Allele origin: germline.
Comment: In summary, the available evidence is currently insufficient to determine the role of this variant in disease. Therefore, it has been classified as a Variant of Uncertain Significance. An algorithm developed to predict the effect of missense changes on protein structure and function (PolyPhen-2) suggests that this variant is likely to be disruptive. ClinVar contains an entry for this variant (Variation ID: 950241). This variant has not been reported in the literature in individuals affected with SLX4-related conditions. This variant is not present in population databases (gnomAD no frequency). This sequence change replaces glycine, which is neutral and non-polar, with arginine, which is basic and polar, at codon 1516 of the SLX4 protein (p.Gly1516Arg).

Genetic Services Laboratory, University of Chicago
Classification: Uncertain significance. Last evaluated: 2019-07-14. Review status: criteria provided, single submitter. Criteria: ACMG Guidelines, 2015. Collection method: clinical testing. Allele origin: germline. Affected: no.

NM_032444.4(SLX4):c.4546G>C (p.Gly1516Arg)

Gene: SLX4 (SLX4 structure-specific endonuclease subunit; minus strand). Cytogenetic location: 16p13.3.
Variant type: single nucleotide variant.
Coding change: c.4546G>C on transcript NM_032444.4 (MANE Select); coding-DNA position 4546, G replaced by C.
Protein change: p.Gly1516Arg; replaces glycine 1516 with arginine.
Molecular consequence: missense variant.
Genome position (GRCh38, 1-based): chr16:3,589,092, C>G on the plus strand (G>C on the coding strand, the complement: SLX4 is on the minus strand). VCF-style: chr16-3589092-C-G. GRCh37 (hg19) VCF-style: chr16-3639093-C-G.
Other names: short protein forms G1516R.
Identifiers: ClinVar variation 950241 (VCV000950241.19), dbSNP rs775915651, ClinGen allele CA394516913.
Genomic context (GRCh38, chr16:3,589,092, plus strand): 5'-CTCCACCAGCGCTTGGCATCTGGGCCGGAGGAGGGGTCTCTGGAGGCCTCTGCTCTTCCC[C>G]GTCCCAAACGTCCCACAGAGCCGAATTCAGAAAGCTCGGCCTGCTATTCCCCAGGGAGCC-3'
Protein context (NP_115820.2, residues 1506-1526): LNSALWDVWD[Gly1516Arg]EEQRPPETPP